The following is an entry in ClinVar:

NM_006270.5(RRAS):c.229G>A (p.Ala77Thr)

Gene: RRAS (RAS related; minus strand). Cytogenetic location: 19q13.33.
Variant type: single nucleotide variant.
Coding change: c.229G>A on transcript NM_006270.5 (MANE Select); coding-DNA position 229, G replaced by A.
Protein change: p.Ala77Thr; replaces alanine 77 with threonine.
Molecular consequence: missense variant.
Genome position (GRCh38, 1-based): chr19:49,637,055, C>T on the plus strand (G>A on the coding strand, the complement: RRAS is on the minus strand). VCF-style: chr19-49637055-C-T. GRCh37 (hg19) VCF-style: chr19-50140312-C-T.
Other names: short protein forms A77T.
Identifiers: ClinVar variation 933170 (VCV000933170.15), dbSNP rs200611081, ClinGen allele CA9579119.
Genomic context (GRCh38, chr19:49,637,055, plus strand): 5'-CCCCCACTGACACCACCCCCATCCATCATCCATCCTTGCCGCCCTCACTGTCCAGCCGGG[C>T]TGGGATGCCATCCACACTGCAGATCTTCGTGTAGGAGTCCTCAATAGTGGGGTCGTAGTC-3'
Protein context (NP_006261.1, residues 67-87): TKICSVDGIP[Ala77Thr]RLDILDTAGQ

ClinVar aggregate classification (germline): Conflicting classifications of pathogenicity. Review status: criteria provided, conflicting classifications (1 of 4 stars). 5 submissions from 5 submitters: Uncertain significance (1); Benign (1); Likely benign (3). Last evaluated 2026-01-28.

Conditions:
Noonan syndrome (NS). Also called: Noonan's syndrome. Identifiers: Orphanet 648, MedGen C0028326, MeSH D009634, MONDO:0018997. Disease mechanism: gain of function.

Allele frequency attached by ClinVar (database versions not stated): gnomAD exomes 0.00008 and 0.00038; TOPMed 0.00017; gnomAD 0.00006; 1000 Genomes Project 30x 0.00016; 1000 Genomes Project 0.00020; ExAC 0.00027.

Submissions (5):

Labcorp Genetics (formerly Invitae), Labcorp
Classification: Likely benign for Noonan syndrome. Last evaluated: 2026-01-28. Review status: criteria provided, single submitter. Criteria: Invitae Variant Classification Sherloc (09022015). Collection method: clinical testing. Allele origin: germline.

Ambry Genetics
Classification: Likely benign. Last evaluated: 2021-10-21. Review status: criteria provided, single submitter. Criteria: Ambry Variant Classification Scheme 2023. Collection method: clinical testing. Allele origin: germline.

Blueprint Genetics
Classification: Likely benign. Last evaluated: 2021-07-09. Review status: criteria provided, single submitter. Criteria: ACMG Guidelines, 2015. Collection method: clinical testing. Allele origin: germline.

Revvity Omics, Revvity
Classification: Uncertain significance. Last evaluated: 2020-11-10. Review status: criteria provided, single submitter. Criteria: ACMG Guidelines, 2015. Collection method: clinical testing. Allele origin: germline.

Women's Health and Genetics/Laboratory Corporation of America, LabCorp
Classification: Benign. Last evaluated: 2020-06-10. Review status: criteria provided, single submitter. Criteria: LabCorp Variant Classification Summary - May 2015. Collection method: clinical testing. Allele origin: germline.
Comment: Variant summary: RRAS c.229G>A (p.Ala77Thr) results in a non-conservative amino acid change located in the Small GTP-binding protein domain (IPR005225) of the encoded protein sequence. Three of five in-silico tools predict a benign effect of the variant on protein function. The variant allele was found at a frequency of 0.00038 in 249928 control chromosomes, predominantly at a frequency of 0.0028 within the Latino subpopulation in the gnomAD database. The observed variant frequency within Latino control individuals in the gnomAD database is approximately 1120 fold of the estimated maximal expected allele frequency for a pathogenic variant in RRAS causing Noonan Syndrome And Related Conditions phenotype (2.5e-06), strongly suggesting that the variant is a benign polymorphism found primarily in populations of Latino origin. To our knowledge, no occurrence of c.229G>A in individuals affected with Noonan Syndrome And Related Conditions and no experimental evidence demonstrating its impact on protein function have been reported. No clinical diagnostic laboratories have submitted clinical-significance assessments for this variant to ClinVar after 2014. Based on the evidence outlined above, the variant was classified as benign.